The following is an entry in ClinVar:

NM_000038.6(APC):c.1781del (p.Asn594fs)

Gene: APC (APC regulator of Wnt signaling pathway; plus strand). Cytogenetic location: 5q22.2.
Variant type: Deletion.
Coding change: c.1781del on transcript NM_000038.6 (MANE Select); coding-DNA position 1781, one base deleted (A; older notation c.1781delA).
Protein change: p.Asn594fs; shifts the reading frame from asparagine 594.
Molecular consequence: frameshift variant. On other transcripts: non-coding transcript variant (2).
Genome position (GRCh38, 1-based): chr5:112,834,988, A deleted; the last of 2 consecutive A bases (chr5:112,834,987-112,834,988); deleting either gives the same sequence. VCF-style (leftmost placement, unchanged base first): chr5-112834986-GA-G. GRCh37 (hg19) VCF-style: chr5-112170683-GA-G.
Other names: c.1781del, p.Asn594fs (NM_001127510.3, NM_001354895.2, NM_001407450.1); c.1727del, p.Asn576fs (NM_001127511.3); c.1835del, p.Asn612fs (NM_001354896.2, NM_001407447.1, NM_001407448.1 and 1 more transcripts); c.1811del, p.Asn604fs (NM_001354897.2); c.1706del, p.Asn569fs (NM_001354898.2); c.1697del, p.Asn566fs (NM_001354899.2); c.1658del, p.Asn553fs (NM_001354900.2); c.1604del, p.Asn535fs (NM_001354901.2, NM_001407453.1); and 11 more; short protein forms N210fs, N311fs, N434fs, N465fs, N468fs, N493fs, N503fs, N511fs.
Identifiers: ClinVar variation 2583756 (VCV002583756.2), dbSNP rs2533333445, ClinGen allele CA2582341318.

ClinVar aggregate classification (germline): Pathogenic (1 of 4 stars; one submission).

Conditions:
Familial adenomatous polyposis 1 (FAP1). Also called: POLYPOSIS, ADENOMATOUS INTESTINAL; FAMILIAL ADENOMATOUS POLYPOSIS 1, ATTENUATED. Identifiers: MedGen C2713442, MONDO:0021056, OMIM 175100. Disease mechanism: loss of function.

Submission:

Myriad Genetics, Inc.
Classification: Pathogenic for Familial adenomatous polyposis 1. Last evaluated: 2023-05-03. Review status: criteria provided, single submitter. Criteria: Myriad Autosomal Dominant, Autosomal Recessive and X-Linked Classification Criteria (2023). Collection method: clinical testing. Allele origin: unknown.
Comment: This variant is considered pathogenic. This variant creates a frameshift predicted to result in premature protein truncation.